The following is an entry in ClinVar:

ClinVar aggregate classification (germline): Uncertain significance. Review status: criteria provided, multiple submitters, no conflicts (2 of 4 stars). 3 submissions from 3 submitters: Uncertain significance (3). Last evaluated 2025-10-19.

Conditions:
Inborn genetic diseases. Identifiers: MedGen C0950123, MeSH D030342.
Wolcott-Rallison dysplasia. Also called: Wolcott-Rallison syndrome; MED-IDDM SYNDROME. Identifiers: Orphanet 1667, MedGen C0432217, MONDO:0009192, OMIM 226980.

Allele frequency attached by ClinVar (database versions not stated): gnomAD 0.00001.
gnomAD v4.1: 21 of 1,613,542 alleles (0.0013%); highest among the groups gnomAD compares: South Asian, 0.0088%; no homozygotes.

Submissions (3):

Labcorp Genetics (formerly Invitae), Labcorp
Classification: Uncertain significance. Last evaluated: 2025-10-19. Review status: criteria provided, single submitter. Criteria: Invitae Variant Classification Sherloc (09022015). Collection method: clinical testing. Allele origin: germline.
Comment: This sequence change replaces arginine, which is basic and polar, with cysteine, which is neutral and slightly polar, at codon 625 of the EIF2AK3 protein (p.Arg625Cys). This variant is present in population databases (rs770192517, gnomAD 0.01%). This variant has not been reported in the literature in individuals affected with EIF2AK3-related conditions. ClinVar contains an entry for this variant (Variation ID: 1492278). An algorithm developed to predict the effect of missense changes on protein structure and function (PolyPhen-2) suggests that this variant is likely to be tolerated. In summary, the available evidence is currently insufficient to determine the role of this variant in disease. Therefore, it has been classified as a Variant of Uncertain Significance.

Ambry Genetics
Classification: Uncertain significance for Inborn genetic diseases. Last evaluated: 2025-08-19. Review status: criteria provided, single submitter. Criteria: Ambry Variant Classification Scheme 2023. Collection method: clinical testing. Allele origin: germline.

Fulgent Genetics
Classification: Uncertain significance for Wolcott-Rallison dysplasia. Last evaluated: 2024-01-25. Review status: criteria provided, single submitter. Criteria: ACMG Guidelines, 2015. Collection method: clinical testing. Allele origin: germline.

NM_004836.7(EIF2AK3):c.1873C>T (p.Arg625Cys)

Gene: EIF2AK3 (eukaryotic translation initiation factor 2 alpha kinase 3; minus strand). Cytogenetic location: 2p11.2.
Variant type: single nucleotide variant.
Coding change: c.1873C>T on transcript NM_004836.7 (MANE Select); coding-DNA position 1873, C replaced by T.
Protein change: p.Arg625Cys; replaces arginine 625 with cysteine.
Molecular consequence: missense variant.
Genome position (GRCh38, 1-based): chr2:88,579,531, G>A on the plus strand (C>T on the coding strand, the complement: EIF2AK3 is on the minus strand). VCF-style: chr2-88579531-G-A. GRCh37 (hg19) VCF-style: chr2-88879049-G-A.
Other names: c.1420C>T, p.Arg474Cys (NM_001313915.2); c.1873C>T (NM_004836.5); short protein forms R625C, R474C.
Identifiers: ClinVar variation 1492278 (VCV001492278.8), dbSNP rs770192517, ClinGen allele CA1754585.